The following is an entry in ClinVar:

ClinVar aggregate classification (germline): Pathogenic (1 of 4 stars; one submission).

Conditions:
Glanzmann thrombasthenia 1 (GT1). Also called: BLEEDING DISORDER, PLATELET-TYPE, 2; GP IIb-IIIa COMPLEX DEFICIENCY; GLYCOPROTEIN COMPLEX IIb-IIIa DEFICIENCY; PLATELET FIBRINOGEN RECEPTOR DEFICIENCY. Identifiers: MedGen CN300358, MONDO:0031332, OMIM 273800.

Submission:

3billion
Classification: Pathogenic for Glanzmann thrombasthenia 1. Last evaluated: 2022-05-22. Review status: criteria provided, single submitter. Criteria: ACMG Guidelines, 2015. Collection method: clinical testing. Allele origin: germline. Affected: yes. Observed: 1 homozygote.
Comment: The variant is not observed in the gnomAD v2.1.1 dataset. Frameshift: predicted to result in a loss or disruption of normal protein function through nonsense-mediated decay (NMD) or protein truncation. Multiple pathogenic variants are reported downstream of the variant. Therefore, this variant is classified as pathogenic according to the recommendation of ACMG/AMP guideline.

NM_000419.5(ITGA2B):c.21_22del (p.Leu8fs)

Gene: ITGA2B (integrin subunit alpha 2b; minus strand). Cytogenetic location: 17q21.31.
Variant type: Deletion.
Coding change: c.21_22del on transcript NM_000419.5 (MANE Select); coding-DNA positions 21 to 22, 2 bases deleted (AC; older notation c.21_22delAC).
Protein change: p.Leu8fs; shifts the reading frame from leucine 8.
Molecular consequence: frameshift variant.
Genome position (GRCh38, 1-based): chr17:44,389,452-44,389,453, GT deleted on the plus strand (AC on the coding strand, the reverse complement: ITGA2B is on the minus strand); deleting any 2 consecutive bases within chr17:44,389,452-44,389,454 gives the same sequence; the c. name uses the placement nearest the transcript's 3' end. VCF-style (leftmost placement, unchanged base first): chr17-44389451-AGT-A. GRCh37 (hg19) VCF-style: chr17-42466819-AGT-A.
Other names: short protein forms L8fs.
Identifiers: ClinVar variation 1687215 (VCV001687215.1), dbSNP rs2143507418, ClinGen allele CA2573153943.